The following is an entry in ClinVar:

NM_000318.3(PEX2):c.632T>C (p.Ile211Thr)

Gene: PEX2 (peroxisomal biogenesis factor 2; minus strand). Cytogenetic location: 8q21.13.
Variant type: single nucleotide variant.
Coding change: c.632T>C on transcript NM_000318.3 (MANE Select); coding-DNA position 632, T replaced by C.
Protein change: p.Ile211Thr; replaces isoleucine 211 with threonine.
Molecular consequence: missense variant.
Genome position (GRCh38, 1-based): chr8:76,983,547, A>G on the plus strand (T>C on the coding strand, the complement: PEX2 is on the minus strand). VCF-style: chr8-76983547-A-G. GRCh37 (hg19) VCF-style: chr8-77895783-A-G.
Other names: c.632T>C, p.Ile211Thr (NM_001079867.2, NM_001172086.2, NM_001172087.2); short protein forms I211T.
Identifiers: ClinVar variation 2048343 (VCV002048343.8), dbSNP rs372938413, ClinGen allele CA4788676.
Genomic context (GRCh38, chr8:76,983,547, plus strand): 5'-GGTGCACCAGTAAGAGGAATACACCATGAAGACAGCTTGGCTTTCAACTTCTGGACATTG[A>G]TAAGTGGTAAGAGAAAAATCAGAAATTCAGCAAAACCATGCCAGAGAAGTTCCCTATTCA-3'
Protein context (NP_000309.2, residues 201-221): AEFLIFLLPL[Ile211Thr]NVQKLKAKLS

ClinVar aggregate classification (germline): Uncertain significance. Review status: criteria provided, multiple submitters, no conflicts (2 of 4 stars). 4 submissions from 4 submitters: Uncertain significance (4). Last evaluated 2026-07-08.

Conditions:
Inborn genetic diseases. Identifiers: MedGen C0950123, MeSH D030342.
Peroxisome biogenesis disorder 5A (Zellweger) (PBD5A). Identifiers: Orphanet 912, MedGen C3553940, MONDO:0013932, OMIM 614866.
PEX2-related disorder. Also called: PEX2-related condition.
Peroxisome biogenesis disorder 5B (PBD5B). Identifiers: Orphanet 44, MedGen C3542026, MONDO:0013933, OMIM 614867.

Allele frequency attached by ClinVar (database versions not stated): gnomAD exomes 0.00003; ESP Exome Variant Server 0.00008; gnomAD 0.00009; TOPMed 0.00003; ExAC 0.00009.
gnomAD v4.1: 65 of 1,613,968 alleles (0.004%); highest among the groups gnomAD compares: Non-Finnish European, 0.005%; no homozygotes.

Submissions (4):

Ambry Genetics
Classification: Uncertain significance for Inborn genetic diseases. Last evaluated: 2026-07-08. Review status: criteria provided, single submitter. Criteria: Ambry Variant Classification Scheme 2023. Collection method: clinical testing. Allele origin: germline.
Comment: The c.632T>C (p.I211T) alteration is located in exon 4 (coding exon 1) of the PEX2 gene. This alteration results from a T to C substitution at nucleotide position 632, causing the isoleucine (I) at amino acid position 211 to be replaced by a threonine (T). Based on data from gnomAD, the C allele has an overall frequency of 0.011% (31/282558) total alleles studied. The highest observed frequency was 0.021% (27/129036) of European (non-Finnish) alleles. This amino acid position is well conserved in available vertebrate species. This alteration is predicted to be deleterious by in silico analysis. Based on insufficient or conflicting evidence, the clinical significance of this alteration remains unclear.

PreventionGenetics, part of Exact Sciences
Classification: Uncertain significance for PEX2-related condition. Last evaluated: 2026-05-11. Review status: criteria provided, single submitter. Criteria: ACMG Guidelines, 2015. Collection method: clinical testing. Allele origin: germline.
Comment: The PEX2 c.632T>C variant is predicted to result in the amino acid substitution p.Ile211Thr. To our knowledge, this variant has not been reported in the literature. This variant is reported in 0.021% of alleles in individuals of European (Non-Finnish) descent in gnomAD. At this time, the clinical significance of this variant is uncertain due to the absence of conclusive functional and genetic evidence.

Labcorp Genetics (formerly Invitae), Labcorp
Classification: Uncertain significance for Peroxisome biogenesis disorder 5A (Zellweger). Last evaluated: 2026-01-19. Review status: criteria provided, single submitter. Criteria: Invitae Variant Classification Sherloc (09022015). Collection method: clinical testing. Allele origin: germline.
Comment: This sequence change replaces isoleucine, which is neutral and non-polar, with threonine, which is neutral and polar, at codon 211 of the PEX2 protein (p.Ile211Thr). This variant is present in population databases (rs372938413, gnomAD 0.02%). This variant has not been reported in the literature in individuals affected with PEX2-related conditions. ClinVar contains an entry for this variant (Variation ID: 2048343). Invitae Evidence Modeling of protein sequence and biophysical properties (such as structural, functional, and spatial information, amino acid conservation, physicochemical variation, residue mobility, and thermodynamic stability) has been performed for this missense variant. However, the output from this modeling did not meet the statistical confidence thresholds required to predict the impact of this variant on PEX2 protein function. In summary, the available evidence is currently insufficient to determine the role of this variant in disease. Therefore, it has been classified as a Variant of Uncertain Significance.

Blueprint Genetics
Classification: Uncertain significance. Last evaluated: 2024-11-05. Review status: criteria provided, single submitter. Criteria: ACMG Guidelines, 2015. Collection method: clinical testing. Allele origin: germline.

Literature cited by the submitters: PubMed 28106320 (cited by Ambry Genetics).